The following is an entry in ClinVar:

NM_001329943.3(KIAA0586):c.2486C>A (p.Ala829Asp)

Gene: KIAA0586 (KIAA0586; plus strand). Cytogenetic location: 14q23.1.
Variant type: single nucleotide variant.
Coding change: c.2486C>A on transcript NM_001329943.3 (MANE Select); coding-DNA position 2486, C replaced by A.
Protein change: p.Ala829Asp; replaces alanine 829 with aspartic acid.
Molecular consequence: missense variant.
Genome position (GRCh38, 1-based): chr14:58,470,656, C>A. VCF-style: chr14-58470656-C-A. GRCh37 (hg19) VCF-style: chr14-58937374-C-A.
Other names: c.2231C>A, p.Ala744Asp (NM_001329945.2, NM_001364700.1, NM_001364701.2 and 1 more transcripts); c.2486C>A, p.Ala829Asp (NM_001329946.2, NM_001329947.2, NM_001329944.2); c.2258C>A, p.Ala753Asp (NM_014749.5); c.2645C>A (NM_001244189.1); c.2645C>A, p.Ala882Asp (NM_001244189.2); c.2441C>A, p.Ala814Asp (NM_001244190.2); c.2354C>A, p.Ala785Asp (NM_001244192.2); c.2066C>A, p.Ala689Asp (NM_001244193.2); short protein forms A744D, A814D, A829D, A882D, A689D, A753D, A785D.
Identifiers: ClinVar variation 2139540 (VCV002139540.3), dbSNP rs200219991, ClinGen allele CA7205894.

ClinVar aggregate classification (germline): Uncertain significance. Review status: criteria provided, multiple submitters, no conflicts (2 of 4 stars). 2 submissions from 2 submitters: Uncertain significance (2). Last evaluated 2025-11-25.

Conditions:
KIAA0586-related disorder. Also called: KIAA0586- Related disorders; KIAA0586-related condition.
Joubert syndrome 23 (JBTS23). Identifiers: Orphanet 475, MedGen C4084822, MONDO:0014664, OMIM 616490.
Short-rib thoracic dysplasia 14 with polydactyly (SRTD14). Identifiers: Orphanet 397715, MedGen C4225286, MONDO:0014688, OMIM 616546.

Allele frequency attached by ClinVar (database versions not stated): TOPMed 0.00003; gnomAD 0.00005; ExAC 0.00008.
gnomAD v4.1: 112 of 1,608,224 alleles (0.007%); highest among the groups gnomAD compares: Non-Finnish European, 0.0093%; 1 homozygote.

Submissions (2):

PreventionGenetics, part of Exact Sciences
Classification: Uncertain significance for KIAA0586-related condition. Last evaluated: 2025-11-25. Review status: criteria provided, single submitter. Criteria: ACMG Guidelines, 2015. Collection method: clinical testing. Allele origin: germline.
Comment: The KIAA0586 c.2645C>A variant is predicted to result in the amino acid substitution p.Ala882Asp. To our knowledge, this variant has not been reported in the literature. This variant is reported in 0.013% of alleles in individuals of European (Non-Finnish) descent in gnomAD. At this time, the clinical significance of this variant is uncertain due to the absence of conclusive functional and genetic evidence.

Labcorp Genetics (formerly Invitae), Labcorp
Classification: Uncertain significance for Joubert syndrome 23; Short-rib thoracic dysplasia 14 with polydactyly. Last evaluated: 2022-05-16. Review status: criteria provided, single submitter. Criteria: Invitae Variant Classification Sherloc (09022015). Collection method: clinical testing. Allele origin: germline.
Comment: This sequence change replaces alanine, which is neutral and non-polar, with aspartic acid, which is acidic and polar, at codon 882 of the KIAA0586 protein (p.Ala882Asp). This variant is present in population databases (rs200219991, gnomAD 0.01%). This variant has not been reported in the literature in individuals affected with KIAA0586-related conditions. Algorithms developed to predict the effect of missense changes on protein structure and function are either unavailable or do not agree on the potential impact of this missense change (SIFT: "Deleterious"; PolyPhen-2: "Benign"; Align-GVGD: "Class C0"). Algorithms developed to predict the effect of sequence changes on RNA splicing suggest that this variant may create or strengthen a splice site. In summary, the available evidence is currently insufficient to determine the role of this variant in disease. Therefore, it has been classified as a Variant of Uncertain Significance.